The following is an entry in ClinVar:

ClinVar aggregate classification (germline): Likely pathogenic (1 of 4 stars; one submission).

Submission:

Labcorp Genetics (formerly Invitae), Labcorp
Classification: Likely pathogenic. Last evaluated: 2023-06-04. Review status: criteria provided, single submitter. Criteria: Invitae Variant Classification Sherloc (09022015). Collection method: clinical testing. Allele origin: germline.
Comment: In summary, the currently available evidence indicates that the variant is pathogenic, but additional data are needed to prove that conclusively. Therefore, this variant has been classified as Likely Pathogenic. Algorithms developed to predict the effect of sequence changes on RNA splicing suggest that this variant may disrupt the consensus splice site. This variant has not been reported in the literature in individuals affected with NDUFS7-related conditions. This variant is not present in population databases (gnomAD no frequency). This sequence change affects an acceptor splice site in intron 4 of the NDUFS7 gene. It is expected to disrupt RNA splicing. Variants that disrupt the donor or acceptor splice site typically lead to a loss of protein function (PMID: 16199547), and loss-of-function variants in NDUFS7 are known to be pathogenic (PMID: 17604671).

Literature cited by the submitters: PubMed 16199547; PubMed 17604671.

NM_024407.5(NDUFS7):c.229-2A>C

Gene: NDUFS7 (NADH:ubiquinone oxidoreductase core subunit S7; plus strand). Cytogenetic location: 19p13.3.
Variant type: single nucleotide variant.
Coding change: c.229-2A>C on transcript NM_024407.5 (MANE Select); the canonical splice acceptor site of the intron before coding-DNA position 229, A replaced by C.
Molecular consequence: splice acceptor variant.
Genome position (GRCh38, 1-based): chr19:1,390,869, A>C. VCF-style: chr19-1390869-A-C. GRCh37 (hg19) VCF-style: chr19-1390868-A-C.
Other names: c.229-2A>C (NM_001363602.2).
Identifiers: ClinVar variation 2765013 (VCV002765013.3), dbSNP rs112687336, ClinGen allele CA402984506.